The following is an entry in ClinVar:

NM_003108.4(SOX11):c.245G>T (p.Arg82Met)

Gene: SOX11 (SRY-box transcription factor 11; plus strand). Cytogenetic location: 2p25.2.
Variant type: single nucleotide variant.
Coding change: c.245G>T on transcript NM_003108.4 (MANE Select); coding-DNA position 245, G replaced by T.
Protein change: p.Arg82Met; replaces arginine 82 with methionine.
Molecular consequence: missense variant.
Genome position (GRCh38, 1-based): chr2:5,692,966, G>T. VCF-style: chr2-5692966-G-T. GRCh37 (hg19) VCF-style: chr2-5833098-G-T.
Other names: short protein forms R82M.
Identifiers: ClinVar variation 4074473 (VCV004074473.1).

ClinVar aggregate classification (germline): Uncertain significance (1 of 4 stars; one submission).

Submission:

GeneDx
Classification: Uncertain significance. Last evaluated: 2025-02-05. Review status: criteria provided, single submitter. Criteria: GeneDx Variant Classification Process June 2021. Collection method: clinical testing. Allele origin: germline. Affected: yes.
Comment: Not observed at significant frequency in large population cohorts (gnomAD); In silico analysis supports that this missense variant has a deleterious effect on protein structure/function; Has not been previously published as pathogenic or benign to our knowledge